The following is an entry in ClinVar:

ClinVar aggregate classification (germline): Uncertain significance. Review status: criteria provided, multiple submitters, no conflicts (2 of 4 stars). 2 submissions from 2 submitters: Uncertain significance (2). Last evaluated 2025-08-14.

Allele frequency attached by ClinVar (database versions not stated): ESP Exome Variant Server 0.00015.
gnomAD v4.1: 26 of 1,612,410 alleles (0.0016%); highest among the groups gnomAD compares: Middle Eastern, 0.034%; no homozygotes.

Submissions (2):

Ambry Genetics
Classification: Uncertain significance. Last evaluated: 2025-08-14. Review status: criteria provided, single submitter. Criteria: Ambry Variant Classification Scheme 2023. Collection method: clinical testing. Allele origin: germline.

Labcorp Genetics (formerly Invitae), Labcorp
Classification: Uncertain significance. Last evaluated: 2023-07-10. Review status: criteria provided, single submitter. Criteria: Invitae Variant Classification Sherloc (09022015). Collection method: clinical testing. Allele origin: germline.
Comment: This variant is present in population databases (rs201753276, gnomAD 0.01%). This sequence change replaces arginine, which is basic and polar, with proline, which is neutral and non-polar, at codon 271 of the TRAP1 protein (p.Arg271Pro). This variant has not been reported in the literature in individuals affected with TRAP1-related conditions. ClinVar contains an entry for this variant (Variation ID: 1921450). An algorithm developed to predict the effect of missense changes on protein structure and function (PolyPhen-2) suggests that this variant is likely to be tolerated. Algorithms developed to predict the effect of sequence changes on RNA splicing suggest that this variant may disrupt the consensus splice site. In summary, the available evidence is currently insufficient to determine the role of this variant in disease. Therefore, it has been classified as a Variant of Uncertain Significance.

NM_016292.3(TRAP1):c.812G>C (p.Arg271Pro)

Gene: TRAP1 (TNF receptor associated protein 1; minus strand). Cytogenetic location: 16p13.3.
Variant type: single nucleotide variant.
Coding change: c.812G>C on transcript NM_016292.3 (MANE Select); coding-DNA position 812, G replaced by C.
Protein change: p.Arg271Pro; replaces arginine 271 with proline.
Molecular consequence: missense variant.
Genome position (GRCh38, 1-based): chr16:3,676,038, C>G on the plus strand (G>C on the coding strand, the complement: TRAP1 is on the minus strand). VCF-style: chr16-3676038-C-G. GRCh37 (hg19) VCF-style: chr16-3726039-C-G.
Other names: c.653G>C, p.Arg218Pro (NM_001272049.2); c.812G>C (NM_016292.2); short protein forms R271P, R218P.
Identifiers: ClinVar variation 1921450 (VCV001921450.6), dbSNP rs201753276, ClinGen allele CA7868492.